The following is an entry in ClinVar:

ClinVar aggregate classification (germline): Benign/Likely benign. Review status: criteria provided, multiple submitters, no conflicts (2 of 4 stars). 4 submissions from 4 submitters: Benign (2); Likely benign (1). 1 of the submissions does not count toward it. Last evaluated 2021-05-10.

Conditions:
Caveolinopathy. Identifiers: Orphanet 207078, MedGen C5679790, MONDO:0016146.

Allele frequency attached by ClinVar (database versions not stated): gnomAD exomes 0.37931; TOPMed 0.41221; gnomAD 0.41683 and 0.42415; 1000 Genomes Project 0.34824; 1000 Genomes Project 30x 0.35369.
gnomAD v4.1: 63,139 of 151,820 alleles (42%); highest among the groups gnomAD compares: Admixed American, 44%; 13,447 homozygotes.

Submissions (4):

GeneDx
Classification: Benign. Last evaluated: 2021-05-10. Review status: criteria provided, single submitter. Criteria: GeneDx Variant Classification Process June 2021. Collection method: clinical testing. Allele origin: germline. Affected: yes.

Illumina Laboratory Services, Illumina
Classification: Benign for Caveolinopathy. Last evaluated: 2018-01-13. Review status: criteria provided, single submitter. Criteria: ICSL Variant Classification Criteria 13 December 2019. Collection method: clinical testing. Allele origin: germline.
Comment: This variant was observed in the ICSL laboratory as part of a predisposition screen in an ostensibly healthy population. It had not been previously curated by ICSL or reported in the Human Gene Mutation Database (HGMD: prior to June 1st, 2018), and was therefore a candidate for classification through an automated scoring system. Utilizing variant allele frequency, disease prevalence and penetrance estimates, and inheritance mode, an automated score was calculated to assess if this variant is too frequent to cause the disease. Based on the score and internal cut-off values, a variant classified as benign is not then subjected to further curation. The score for this variant resulted in a classification of benign for this disease.

Breakthrough Genomics
Classification: Likely benign. Review status: criteria provided, single submitter. Criteria: ACMG Guidelines, 2015. Collection method: not provided. Allele origin: germline. Inheritance: Autosomal recessive inheritance. Affected: yes.

Leiden Muscular Dystrophy (CAV3)
No classification provided. Last evaluated: 2012-04-15. Review status: no classification provided. Collection method: curation. Allele origin: germline. Not counted in ClinVar's aggregate classification.

NM_033337.3(CAV3):c.*645A>T

Genes: CAV3 (caveolin 3; plus strand), OXTR (oxytocin receptor; minus strand). Cytogenetic location: 3p25.3.
Variant type: single nucleotide variant.
Coding change: c.*645A>T on transcript NM_033337.3 (MANE Select); 645 bases downstream of the stop codon, A replaced by T.
Molecular consequence: 3 prime UTR variant.
Genome position (GRCh38, 1-based): chr3:8,746,512, A>T. VCF-style: chr3-8746512-A-T. GRCh37 (hg19) VCF-style: chr3-8788198-A-T.
Other names: c.*549A>T (NM_001234.5).
Identifiers: ClinVar variation 31706 (VCV000031706.10), dbSNP rs11476, ClinGen allele CA215145.